The following is an entry in ClinVar:

NC_000023.10:g.(?_31137344)_(31645980_31676106)dup

Gene: DMD (dystrophin; minus strand). Cytogenetic location: Xp21.2-21.1.
Variant type: Duplication.
Identifiers: ClinVar variation 1696240 (VCV001696240.1).

ClinVar aggregate classification (germline): Uncertain significance (1 of 4 stars; one submission).

Submission:

Women's Health and Genetics/Laboratory Corporation of America, LabCorp
Classification: Uncertain significance. Last evaluated: 2022-05-06. Review status: criteria provided, single submitter. Criteria: LabCorp Variant Classification Summary - May 2015. Collection method: clinical testing. Allele origin: germline.
Comment: Variant summary: The variant identified by MLPA or other technology involves the duplication of exons 55-79 (i.e. involving the last exon) in the DMD gene. The exact breakpoint at the 3' end of this variant is unknown and therefore this duplication might extend beyond the assayed region of the DMD gene. A presumed nomenclature of c.(8027+1_8028-1)_(*2692_?)dup has been designated for the purposes of this classification. It has been assumed that this is a tandem duplication in direct orientation (Richardson_GIM_2018, Newman_AJHG_2015). Since the exact breakpoints of this duplication are not known, it is not possible to predict the protein level effect of this variant. The variant was absent in 15814 control chromosomes in the gnomAD database, structural variants dataset. The available data on variant occurrences in the general population are insufficient to allow any conclusion about variant significance. To our knowledge, no occurrence of c.(8027+1_8028-1)_(*2692_?)dup in individuals affected with Dystrophinopathies and no experimental evidence demonstrating its impact on protein function have been reported. No clinical diagnostic laboratories have submitted clinical-significance assessments for this variant to ClinVar after 2014. In conclusion, while it may be assumed that duplication variants including a larger DNA segment downstream of the gene might result in regular transcription- and translation termination with an unaffected protein product, however shorter tandem duplication variants involving the last exon may result in a frameshift or in-frame duplication change, and also can affect the 3' UTR end of the mRNA, which might be associated with disease. Since it is not possible to distinguish between these two outcomes in the context of this evaluation, based on the evidence outlined above, the variant was classified as uncertain significance.